The following is an entry in ClinVar:

ClinVar aggregate classification (germline): Likely benign. Review status: criteria provided, multiple submitters, no conflicts (2 of 4 stars). 2 submissions from 2 submitters: Likely benign (2). Last evaluated 2026-04-14.

Conditions:
Familial intrahepatic cholestasis. Identifiers: Orphanet 284385, MedGen CN296401, MONDO:0017290.

Allele frequency attached by ClinVar (database versions not stated): gnomAD exomes below 0.00001.
gnomAD v4.1: 1 of 1,613,034 alleles (0.000062%); highest among the groups gnomAD compares: Non-Finnish European, 0.000085%; no homozygotes.

Submissions (2):

Genomenon, Inc
Classification: Likely benign for Familial intrahepatic cholestasis. Last evaluated: 2026-04-14. Review status: criteria provided, single submitter. Criteria: Genomenon Sequence Variant Interpretation Standards - Updated. Collection method: curation. Allele origin: germline. Affected: no.
Comment: ABCB11 c.1506G>A is a synonymous variant that retains Glutamic acid at residue 502. This variant has been reported in the published literature (PMID:19571440). It is absent or not present at a significant frequency in gnomAD. This synonymous variant is not predicted to impact splicing. In conclusion, we classify ABCB11 p.Glu502= (c.1506G>A) as a likely benign variant.

Labcorp Genetics (formerly Invitae), Labcorp
Classification: Likely benign. Last evaluated: 2021-08-04. Review status: criteria provided, single submitter. Criteria: Invitae Variant Classification Sherloc (09022015). Collection method: clinical testing. Allele origin: germline.

Literature cited by the submitters: PubMed 19571440 (cited by Genomenon, Inc).

NM_003742.4(ABCB11):c.1506G>A (p.Glu502=)

Gene: ABCB11 (ATP binding cassette subfamily B member 11; minus strand). Cytogenetic location: 2q31.1.
Variant type: single nucleotide variant.
Coding change: c.1506G>A on transcript NM_003742.4 (MANE Select); coding-DNA position 1506, G replaced by A.
Protein change: p.Glu502=; no amino-acid change (glutamic acid 502 retained).
Molecular consequence: synonymous variant.
Genome position (GRCh38, 1-based): chr2:168,971,979, C>T on the plus strand (G>A on the coding strand, the complement: ABCB11 is on the minus strand). VCF-style: chr2-168971979-C-T. GRCh37 (hg19) VCF-style: chr2-169828489-C-T.
Identifiers: ClinVar variation 1532617 (VCV001532617.9), dbSNP rs1693599346, ClinGen allele CA429914553.